The following is an entry in ClinVar:

NM_001148.6(ANK2):c.4997G>A (p.Cys1666Tyr)

Gene: ANK2 (ankyrin 2; plus strand). Cytogenetic location: 4q26.
Variant type: single nucleotide variant.
Coding change: c.4997G>A on transcript NM_001148.6 (MANE Select); coding-DNA position 4997, G replaced by A.
Protein change: p.Cys1666Tyr; replaces cysteine 1666 with tyrosine.
Molecular consequence: missense variant. On other transcripts: intron variant (68).
Genome position (GRCh38, 1-based): chr4:113,353,615, G>A. VCF-style: chr4-113353615-G-A. GRCh37 (hg19) VCF-style: chr4-114274771-G-A.
Other names: c.4763G>A, p.Cys1588Tyr (NM_001386142.1); c.1397G>A, p.Cys466Tyr (NM_001386166.1); c.5138G>A, p.Cys1713Tyr (NM_001386174.1); c.5114G>A, p.Cys1705Tyr (NM_001386175.1); c.4411+3366G>A (NM_001386186.2, NM_001386148.2); c.4213+3366G>A (NM_001354269.3); c.4291+3366G>A (NM_001386187.2); c.4252+3366G>A (NM_001386147.1); and 35 more; short protein forms C1666Y, C1705Y, C1713Y, C466Y, C1588Y.
Identifiers: ClinVar variation 1898524 (VCV001898524.6), dbSNP rs1426846008, ClinGen allele CA357917789.

ClinVar aggregate classification (germline): Uncertain significance. Review status: criteria provided, multiple submitters, no conflicts (2 of 4 stars). 2 submissions from 2 submitters: Uncertain significance (2). Last evaluated 2025-04-09.

Conditions:
Cardiovascular phenotype. Identifiers: MedGen CN230736.
Long QT syndrome (LQTS). Identifiers: MedGen C0023976, MeSH D008133, MONDO:0002442. Disease mechanism: loss of function. Inheritance: Various modes of inheritance.

Allele frequency attached by ClinVar (database versions not stated): gnomAD exomes below 0.00001; TOPMed below 0.00001.
gnomAD v4.1: 5 of 1,614,098 alleles (0.00031%); highest among the groups gnomAD compares: Non-Finnish European, 0.00034%; no homozygotes.

Submissions (2):

Ambry Genetics
Classification: Uncertain significance for Cardiovascular phenotype. Last evaluated: 2025-04-09. Review status: criteria provided, single submitter. Criteria: Ambry Variant Classification Scheme 2023. Collection method: clinical testing. Allele origin: germline.

Labcorp Genetics (formerly Invitae), Labcorp
Classification: Uncertain significance for Long QT syndrome. Last evaluated: 2022-05-04. Review status: criteria provided, single submitter. Criteria: Invitae Variant Classification Sherloc (09022015). Collection method: clinical testing. Allele origin: germline.
Comment: This sequence change replaces cysteine, which is neutral and slightly polar, with tyrosine, which is neutral and polar, at codon 1666 of the ANK2 protein (p.Cys1666Tyr). This variant is present in population databases (no rsID available, gnomAD 0.0009%). This variant has not been reported in the literature in individuals affected with ANK2-related conditions. Algorithms developed to predict the effect of missense changes on protein structure and function (SIFT, PolyPhen-2, Align-GVGD) all suggest that this variant is likely to be tolerated. In summary, the available evidence is currently insufficient to determine the role of this variant in disease. Therefore, it has been classified as a Variant of Uncertain Significance.